The following is an entry in ClinVar:

ClinVar aggregate classification (germline): not provided (0 of 4 stars; one submission).

Conditions:
Small for gestational age. Also called: Low birth weight. Identifiers: MedGen C0235991, HP:0001518.

Submission:

Institute of Molecular and Cell Biology, University of Tartu
No classification provided. Condition: Small for gestational age. Review status: no classification provided. Collection method: case-control. Allele origin: unknown. Affected: yes. Study: Kasak2014.
Comment: The study aimed to determine the contribution of copy number variants in the genetic etiology of normal and complicated pregnancies. The samples represented (i) maternal blood DNA drawn from healthy pregnant women during 1st or 2nd trimester and (ii) maternal and paternal blood DNA drawn at term pregnancy cases representing normal and complicated gestations (severe preeclampsia, PE; gestational diabetes, GD; small-for-gestational age newborn, SGA; large-for-gestational age newborn, LGA). We performed CNV calling based on genome-wide genotyping dataset (Illumina HumanOmniExpress-24-v1 BeadChip) by applying three algorithms, QuantiSNP, GADA (Genome Alteration Detection Algorithm) and CNstream in parallel. The acquired CNV calls were merged with HD-CNV (Hotspot Detector for Copy Number Variants) program and only the CNVs predicted by at least two programs, were considered in subsequent analysis.

Literature cited by the submitters: PubMed 25666259.

Single allele

Variant type: Deletion.
Identifiers: ClinVar variation 157310 (VCV000157310.2).